The following is an entry in ClinVar:

NM_001165963.4(SCN1A):c.5535C>G (p.Asn1845Lys)

Genes: SCN1A (sodium voltage-gated channel alpha subunit 1; minus strand), LOC102724058 (uncharacterized LOC102724058; plus strand). Cytogenetic location: 2q24.3.
Variant type: single nucleotide variant.
Coding change: c.5535C>G on transcript NM_001165963.4 (MANE Select); coding-DNA position 5535, C replaced by G.
Protein change: p.Asn1845Lys; replaces asparagine 1845 with lysine.
Molecular consequence: missense variant. On other transcripts: non-coding transcript variant (1).
Genome position (GRCh38, 1-based): chr2:165,991,740, G>C on the plus strand (C>G on the coding strand, the complement: SCN1A is on the minus strand). VCF-style: chr2-165991740-G-C. GRCh37 (hg19) VCF-style: chr2-166848250-G-C.
Other names: c.5451C>G, p.Asn1817Lys (NM_001165964.3, NM_001353957.2, NM_001353958.2); c.5535C>G, p.Asn1845Lys (NM_001202435.3, NM_001353948.2); c.5448C>G, p.Asn1816Lys (NM_001353960.2); c.3093C>G, p.Asn1031Lys (NM_001353961.2); c.5502C>G, p.Asn1834Lys (NM_006920.6, NM_001353949.2, NM_001353950.2 and 2 more transcripts); c.5499C>G, p.Asn1833Lys (NM_001353954.2, NM_001353955.2); short protein forms N1031K, N1816K, N1833K, N1845K, N1817K, N1834K.
Identifiers: ClinVar variation 3633998 (VCV003633998.2).

ClinVar aggregate classification (germline): Likely pathogenic (1 of 4 stars; one submission).

Conditions:
Early-infantile DEE. Also called: Early infantile epileptic encephalopathy; Ohtahara syndrome; Early infantile epileptic encephalopathy with suppression bursts. Identifiers: Orphanet 1934, MedGen C0393706, MONDO:0800491.

Submission:

Labcorp Genetics (formerly Invitae), Labcorp
Classification: Likely pathogenic for Early-infantile DEE. Last evaluated: 2024-11-03. Review status: criteria provided, single submitter. Criteria: Invitae Variant Classification Sherloc (09022015). Collection method: clinical testing. Allele origin: germline.
Comment: This sequence change replaces asparagine, which is neutral and polar, with lysine, which is basic and polar, at codon 1845 of the SCN1A protein (p.Asn1845Lys). This variant is not present in population databases (gnomAD no frequency). This variant has not been reported in the literature in individuals affected with SCN1A-related conditions. Invitae Evidence Modeling of protein sequence and biophysical properties (such as structural, functional, and spatial information, amino acid conservation, physicochemical variation, residue mobility, and thermodynamic stability) indicates that this missense variant is expected to disrupt SCN1A protein function with a positive predictive value of 95%. This variant disrupts the p.Asn1845 amino acid residue in SCN1A. Other variant(s) that disrupt this residue have been determined to be pathogenic (PMID: 27197941; internal data). This suggests that this residue is clinically significant, and that variants that disrupt this residue are likely to be disease-causing. In summary, the currently available evidence indicates that the variant is pathogenic, but additional data are needed to prove that conclusively. Therefore, this variant has been classified as Likely Pathogenic.

Literature cited by the submitters: PubMed 27197941.